The following is an entry in ClinVar:

ClinVar aggregate classification (germline): Uncertain significance. Review status: criteria provided, multiple submitters, no conflicts (2 of 4 stars). 2 submissions from 2 submitters: Uncertain significance (2). Last evaluated 2022-05-04.

Submissions (2):

Labcorp Genetics (formerly Invitae), Labcorp
Classification: Uncertain significance. Last evaluated: 2022-05-04. Review status: criteria provided, single submitter. Criteria: Invitae Variant Classification Sherloc (09022015). Collection method: clinical testing. Allele origin: germline.
Comment: This variant, c.703_705del, results in the deletion of 1 amino acid(s) of the NBAS protein (p.Tyr235del), but otherwise preserves the integrity of the reading frame. This variant is present in population databases (rs774017689, gnomAD 0.008%). This variant has not been reported in the literature in individuals affected with NBAS-related conditions. Experimental studies and prediction algorithms are not available or were not evaluated, and the functional significance of this variant is currently unknown. In summary, the available evidence is currently insufficient to determine the role of this variant in disease. Therefore, it has been classified as a Variant of Uncertain Significance.

Women's Health and Genetics/Laboratory Corporation of America, LabCorp
Classification: Uncertain significance. Last evaluated: 2022-03-11. Review status: criteria provided, single submitter. Criteria: LabCorp Variant Classification Summary - May 2015. Collection method: clinical testing. Allele origin: germline.
Comment: Variant summary: NBAS c.703_705delTAT (p.Tyr235del) results in an in-frame deletion that is predicted to remove one amino acid from the encoded protein. The variant allele was found at a frequency of 4e-06 in 251402 control chromosomes (gnomAD). The available data on variant occurrences in the general population are insufficient to allow any conclusion about variant significance. To our knowledge, no occurrence of c.703_705delTAT in individuals affected with Liver Failure Acute Infantile, Type 2 and no experimental evidence demonstrating its impact on protein function have been reported. No clinical diagnostic laboratories have submitted clinical-significance assessments for this variant to ClinVar after 2014. Based on the evidence outlined above, the variant was classified as uncertain significance.

NM_015909.4(NBAS):c.703_705del (p.Tyr235del)

Gene: NBAS (NBAS subunit of NRZ tethering complex; minus strand). Cytogenetic location: 2p24.3.
Variant type: Deletion.
Coding change: c.703_705del on transcript NM_015909.4 (MANE Select); coding-DNA positions 703 to 705, 3 bases deleted (TAT; older notation c.703_705delTAT).
Protein change: p.Tyr235del; deletes tyrosine 235.
Molecular consequence: inframe deletion. On other transcripts: non-coding transcript variant (1).
Genome position (GRCh38, 1-based): chr2:15,534,584-15,534,586, ATA deleted on the plus strand (TAT on the coding strand, the reverse complement: NBAS is on the minus strand); deleting any 3 consecutive bases within chr2:15,534,584-15,534,588 gives the same sequence; the c. name uses the placement nearest the transcript's 3' end. VCF-style (leftmost placement, unchanged base first): chr2-15534583-GATA-G. GRCh37 (hg19) VCF-style: chr2-15674707-GATA-G.
Other names: short protein forms Y235del.
Identifiers: ClinVar variation 1677090 (VCV001677090.3), dbSNP rs774017689, ClinGen allele CA1536940.